The following is an entry in ClinVar:

ClinVar aggregate classification (germline): Pathogenic/Likely pathogenic. Review status: criteria provided, multiple submitters, no conflicts (2 of 4 stars). 2 submissions from 2 submitters: Pathogenic (1); Likely pathogenic (1). Last evaluated 2022-07-06.

Conditions:
ADGRV1-related disorder. Also called: ADGRV1-related disorders; ADGRV1-related condition.

Submissions (2):

Labcorp Genetics (formerly Invitae), Labcorp
Classification: Pathogenic. Last evaluated: 2022-07-06. Review status: criteria provided, single submitter. Criteria: Invitae Variant Classification Sherloc (09022015). Collection method: clinical testing. Allele origin: germline.
Comment: This variant has not been reported in the literature in individuals affected with ADGRV1-related conditions. This variant is not present in population databases (gnomAD no frequency). This sequence change creates a premature translational stop signal (p.Leu198*) in the ADGRV1 gene. It is expected to result in an absent or disrupted protein product. Loss-of-function variants in ADGRV1 are known to be pathogenic (PMID: 19357117, 22135276, 22147658, 26226137, 30718709, 31047384, 32467589). Algorithms developed to predict the effect of sequence changes on RNA splicing suggest that this variant may disrupt the consensus splice site. For these reasons, this variant has been classified as Pathogenic.

Blueprint Genetics
Classification: Likely pathogenic for ADGRV1-related disorders. Last evaluated: 2022-05-18. Review status: criteria provided, single submitter. Criteria: ACMG Guidelines, 2015. Collection method: clinical testing. Allele origin: germline. Affected: yes. Observed: 1 variant allele.

Literature cited by the submitters: PubMed 19357117 (cited by Labcorp Genetics (formerly Invitae), Labcorp); PubMed 22135276 (cited by Labcorp Genetics (formerly Invitae), Labcorp); PubMed 22147658 (cited by Labcorp Genetics (formerly Invitae), Labcorp); PubMed 26226137 (cited by Labcorp Genetics (formerly Invitae), Labcorp); PubMed 30718709 (cited by Labcorp Genetics (formerly Invitae), Labcorp); PubMed 31047384 (cited by Labcorp Genetics (formerly Invitae), Labcorp); PubMed 32467589 (cited by Labcorp Genetics (formerly Invitae), Labcorp).

NM_032119.4(ADGRV1):c.593del (p.Asp197_Leu198insTer)

Gene: ADGRV1 (adhesion G protein-coupled receptor V1; plus strand). Cytogenetic location: 5q14.3.
Variant type: Deletion.
Coding change: c.593del on transcript NM_032119.4 (MANE Select); coding-DNA position 593, one base deleted (T; older notation c.593delT).
Protein change: p.Asp197_Leu198insTer.
Molecular consequence: nonsense. On other transcripts: non-coding transcript variant (1).
Genome position (GRCh38, 1-based): chr5:90,625,164, T deleted; the last of 3 consecutive T bases (chr5:90,625,162-90,625,164); deleting any one gives the same sequence. VCF-style (leftmost placement, unchanged base first): chr5-90625161-AT-A. GRCh37 (hg19) VCF-style: chr5-89920978-AT-A.
Identifiers: ClinVar variation 2014707 (VCV002014707.5), dbSNP rs2531785752, ClinGen allele CA2580073736.
Genomic context (GRCh38, chr5:90,625,161, plus strand): 5'-TATTGATGGCATTTTGTGTTTCTTTGCAGGTAGAGGGTGGCCCAAATCCCCCTGATGAAG[AT>A]TTGAGTCCAGTTAAAGGAAATATCACCTTTCCCCCTGGCAGAGCAACAGTAATTTATAAC-3'